The following is an entry in ClinVar:

ClinVar aggregate classification (germline): Uncertain significance (1 of 4 stars; one submission).

Conditions:
Charcot-Marie-Tooth disease type 2. Also called: Charcot-Marie-Tooth type 2. Identifiers: Orphanet 64746, MedGen C0270914, MONDO:0018993.

Submission:

Labcorp Genetics (formerly Invitae), Labcorp
Classification: Uncertain significance for Charcot-Marie-Tooth disease type 2. Last evaluated: 2025-10-16. Review status: criteria provided, single submitter. Criteria: Invitae Variant Classification Sherloc (09022015). Collection method: clinical testing. Allele origin: germline.
Comment: This sequence change falls in intron 12 of the AARS gene. It does not directly change the encoded amino acid sequence of the AARS protein. It affects a nucleotide within the consensus splice site. This variant is not present in population databases (gnomAD no frequency). This variant has not been reported in the literature in individuals affected with AARS-related conditions. Variants that disrupt the consensus splice site are a relatively common cause of aberrant splicing (PMID: 17576681, 9536098). Algorithms developed to predict the effect of sequence changes on RNA splicing suggest that this variant may disrupt the consensus splice site. In summary, the available evidence is currently insufficient to determine the role of this variant in disease. Therefore, it has been classified as a Variant of Uncertain Significance.

Literature cited by the submitters: PubMed 17576681; PubMed 9536098.

NM_001605.3(AARS1):c.1671+3G>C

Gene: AARS1 (alanyl-tRNA synthetase 1; minus strand). Cytogenetic location: 16q22.1.
Variant type: single nucleotide variant.
Coding change: c.1671+3G>C on transcript NM_001605.3 (MANE Select); 3 bases into the intron after coding-DNA position 1671, G replaced by C.
Molecular consequence: intron variant.
Genome position (GRCh38, 1-based): chr16:70,262,343, C>G on the plus strand (G>C on the coding strand, the complement: AARS1 is on the minus strand). VCF-style: chr16-70262343-C-G. GRCh37 (hg19) VCF-style: chr16-70296246-C-G.
Identifiers: ClinVar variation 4723526 (VCV004723526.1).